The following is an entry in ClinVar:

ClinVar aggregate classification (germline): Uncertain significance (1 of 4 stars; one submission).

Conditions:
KMT2C-related disorder. Also called: KMT2C-related condition; KMT2C-related disorders.

Submission:

PreventionGenetics, part of Exact Sciences
Classification: Uncertain significance for KMT2C-related condition. Last evaluated: 2023-01-13. Review status: criteria provided, single submitter. Criteria: ACMG Guidelines, 2015. Collection method: clinical testing. Allele origin: germline.
Comment: The KMT2C c.11092A>G variant is predicted to result in the amino acid substitution p.Thr3698Ala. To our knowledge, this variant has not been reported in the literature or in a large population database, indicating this variant is rare. At this time, the clinical significance of this variant is uncertain due to the absence of conclusive functional and genetic evidence.

NM_170606.3(KMT2C):c.11092A>G (p.Thr3698Ala)

Gene: KMT2C (lysine methyltransferase 2C; minus strand). Cytogenetic location: 7q36.1.
Variant type: single nucleotide variant.
Coding change: c.11092A>G on transcript NM_170606.3 (MANE Select); coding-DNA position 11092, A replaced by G.
Protein change: p.Thr3698Ala; replaces threonine 3698 with alanine.
Molecular consequence: missense variant.
Genome position (GRCh38, 1-based): chr7:152,162,485, T>C on the plus strand (A>G on the coding strand, the complement: KMT2C is on the minus strand). VCF-style: chr7-152162485-T-C. GRCh37 (hg19) VCF-style: chr7-151859570-T-C.
Other names: short protein forms T3698A.
Identifiers: ClinVar variation 2629909 (VCV002629909.1), dbSNP rs2487686509, ClinGen allele CA370101436.